The following is an entry in ClinVar:

ClinVar aggregate classification (germline): Uncertain significance. Review status: criteria provided, multiple submitters, no conflicts (2 of 4 stars). 2 submissions from 2 submitters: Uncertain significance (2). Last evaluated 2023-11-08.

Conditions:
Hereditary cancer-predisposing syndrome. Also called: Hereditary Cancer Syndrome; Hereditary neoplastic syndrome; Neoplastic Syndromes, Hereditary; Tumor predisposition. Identifiers: Orphanet 140162, MedGen C0027672, MeSH D009386, MONDO:0015356.
Renal cell carcinoma. Identifiers: Orphanet 217071, MedGen C0007134, MeSH D002292, MONDO:0005086, HP:0005584.

Submissions (2):

Ambry Genetics
Classification: Uncertain significance for Hereditary cancer-predisposing syndrome. Last evaluated: 2023-11-08. Review status: criteria provided, single submitter. Criteria: Ambry Variant Classification Scheme 2023. Collection method: clinical testing. Allele origin: germline.
Comment: The p.K1216E variant (also known as c.3646A>G), located in coding exon 17 of the MET gene, results from an A to G substitution at nucleotide position 3646. The lysine at codon 1216 is replaced by glutamic acid, an amino acid with similar properties. This amino acid position is conserved. In addition, this alteration is predicted to be deleterious by in silico analysis. Since supporting evidence is limited at this time, the clinical significance of this alteration remains unclear.

Labcorp Genetics (formerly Invitae), Labcorp
Classification: Uncertain significance for Renal cell carcinoma. Last evaluated: 2020-12-29. Review status: criteria provided, single submitter. Criteria: Invitae Variant Classification Sherloc (09022015). Collection method: clinical testing. Allele origin: germline.
Comment: This sequence change replaces lysine with glutamic acid at codon 1216 of the MET protein (p.Lys1216Glu). The lysine residue is highly conserved and there is a small physicochemical difference between lysine and glutamic acid. This variant is not present in population databases (ExAC no frequency). This variant has not been reported in the literature in individuals with MET-related conditions. Algorithms developed to predict the effect of missense changes on protein structure and function are either unavailable or do not agree on the potential impact of this missense change (SIFT: "Deleterious"; PolyPhen-2: "Probably Damaging"; Align-GVGD: "Class C0"). In summary, the available evidence is currently insufficient to determine the role of this variant in disease. Therefore, it has been classified as a Variant of Uncertain Significance.

NM_000245.4(MET):c.3592A>G (p.Lys1198Glu)

Gene: MET (MET proto-oncogene, receptor tyrosine kinase; plus strand). Cytogenetic location: 7q31.2.
Variant type: single nucleotide variant.
Coding change: c.3592A>G on transcript NM_000245.4 (MANE Select); coding-DNA position 3592, A replaced by G.
Protein change: p.Lys1198Glu; replaces lysine 1198 with glutamic acid.
Molecular consequence: missense variant.
Genome position (GRCh38, 1-based): chr7:116,782,057, A>G. VCF-style: chr7-116782057-A-G. GRCh37 (hg19) VCF-style: chr7-116422111-A-G.
Other names: c.3646A>G, p.Lys1216Glu (NM_001127500.3); c.2302A>G, p.Lys768Glu (NM_001324402.2); c.3646A>G (NM_001127500.1); short protein forms K1216E, K1198E, K768E.
Identifiers: ClinVar variation 1434657 (VCV001434657.9), dbSNP rs2117060312, ClinGen allele CA368991113.
Genomic context (GRCh38, chr7:116,782,057, plus strand): 5'-GTAAAAGATCTTATTGGCTTTGGTCTTCAAGTAGCCAAAGGCATGAAATATCTTGCAAGC[A>G]AAAAGTTTGTCCACAGAGACTTGGCTGCAAGAAACTGTATGTAAGTATCAGAATCTCTGT-3'
Protein context (NP_000236.2, residues 1188-1208): VAKGMKYLAS[Lys1198Glu]KFVHRDLAAR